The following is an entry in ClinVar:

ClinVar aggregate classification (germline): Benign/Likely benign. Review status: criteria provided, multiple submitters, no conflicts (2 of 4 stars). 6 submissions from 6 submitters: Benign (3); Likely benign (2). 1 of the submissions does not count toward it. Last evaluated 2026-01-14.

Conditions:
LMF1-related disorder. Also called: LMF1-related condition.
Cardiovascular phenotype. Identifiers: MedGen CN230736.

Allele frequency attached by ClinVar (database versions not stated): ESP Exome Variant Server 0.00184; 1000 Genomes Project 30x 0.00234; TOPMed 0.00249; 1000 Genomes Project 0.00260; ExAC 0.00294; gnomAD exomes 0.00297; gnomAD 0.00378 and 0.00395.

Submissions (6):

Labcorp Genetics (formerly Invitae), Labcorp
Classification: Benign. Last evaluated: 2026-01-14. Review status: criteria provided, single submitter. Criteria: Invitae Variant Classification Sherloc (09022015). Collection method: clinical testing. Allele origin: germline.

Molecular Diagnostic Laboratory for Inherited Cardiovascular Disease, Montreal Heart Institute
Classification: Likely benign. Last evaluated: 2025-04-09. Review status: criteria provided, single submitter. Criteria: ACMG Guidelines, 2015. Collection method: clinical testing. Allele origin: germline. Affected: no.

GeneDx
Classification: Likely benign. Last evaluated: 2019-11-30. Review status: criteria provided, single submitter. Criteria: GeneDx Variant Classification Process June 2021. Collection method: clinical testing. Allele origin: germline. Affected: yes.
Comment: See Variant Classification Assertion Criteria.

Ambry Genetics
Classification: Benign for Cardiovascular phenotype. Last evaluated: 2019-07-16. Review status: criteria provided, single submitter. Criteria: Ambry Variant Classification Scheme 2023. Collection method: clinical testing. Allele origin: germline.

Breakthrough Genomics
Classification: Benign. Review status: criteria provided, single submitter. Criteria: ACMG Guidelines, 2015. Collection method: not provided. Allele origin: germline. Inheritance: Autosomal recessive inheritance. Affected: yes.

PreventionGenetics, part of Exact Sciences
Classification: Likely benign for LMF1-related condition. Last evaluated: 2020-01-14. Review status: no assertion criteria provided. Collection method: clinical testing. Allele origin: germline. Not counted in ClinVar's aggregate classification.
Comment: This variant is classified as likely benign based on ACMG/AMP sequence variant interpretation guidelines (Richards et al. 2015 PMID: 25741868, with internal and published modifications).

NM_022773.4(LMF1):c.689G>A (p.Arg230Gln)

Gene: LMF1 (lipase maturation factor 1; minus strand). Cytogenetic location: 16p13.3.
Variant type: single nucleotide variant.
Coding change: c.689G>A on transcript NM_022773.4 (MANE Select); coding-DNA position 689, G replaced by A.
Protein change: p.Arg230Gln; replaces arginine 230 with glutamine.
Molecular consequence: missense variant. On other transcripts: non-coding transcript variant (1).
Genome position (GRCh38, 1-based): chr16:893,047, C>T on the plus strand (G>A on the coding strand, the complement: LMF1 is on the minus strand). VCF-style: chr16-893047-C-T. GRCh37 (hg19) VCF-style: chr16-943047-C-T.
Other names: c.38G>A, p.Arg13Gln (NM_001352017.2, NM_001352021.2); c.290G>A, p.Arg97Gln (NM_001352018.2); c.362G>A, p.Arg121Gln (NM_001352019.2); c.689G>A, p.Arg230Gln (NM_001352020.1); short protein forms R13Q, R121Q, R230Q, R97Q.
Identifiers: ClinVar variation 714678 (VCV000714678.17), dbSNP rs192224688, ClinGen allele CA7797409.
Genomic context (GRCh38, chr16:893,047, plus strand): 5'-ACGCTGCACGGCACGCTCACCTCATAGTGGAAGTCCATGCAGGTGAGGTCTCGCCAGCAC[C>T]GGTCCCCCCGGATCTTGATCAGGCCCTGCAAGGAAGAGAGCAGAGGGAGAGTCAGTCACA-3'
Protein context (NP_073610.2, residues 220-240): GAGLIKIRGD[Arg230Gln]CWRDLTCMDF